The following is an entry in ClinVar:

ClinVar aggregate classification (germline): Uncertain significance (1 of 4 stars; one submission).

Conditions:
Inborn genetic diseases. Identifiers: MedGen C0950123, MeSH D030342.

gnomAD v4.1: 3 of 1,603,168 alleles (0.00019%); highest among the groups gnomAD compares: South Asian, 0.0033%; no homozygotes.

Submission:

Ambry Genetics
Classification: Uncertain significance for Inborn genetic diseases. Last evaluated: 2024-10-25. Review status: criteria provided, single submitter. Criteria: Ambry Variant Classification Scheme 2023. Collection method: clinical testing. Allele origin: germline.
Comment: The c.1405G>C (p.E469Q) alteration is located in exon 10 (coding exon 10) of the CYP24A1 gene. This alteration results from a G to C substitution at nucleotide position 1405, causing the glutamic acid (E) at amino acid position 469 to be replaced by a glutamine (Q). This variant was not reported in population-based cohorts in the Genome Aggregation Database (gnomAD). This amino acid position is highly conserved in available vertebrate species. The in silico prediction for this alteration is inconclusive. Based on insufficient or conflicting evidence, the clinical significance of this alteration remains unclear.

NM_000782.5(CYP24A1):c.1405G>C (p.Glu469Gln)

Gene: CYP24A1 (cytochrome P450 family 24 subfamily A member 1; minus strand). Cytogenetic location: 20q13.2.
Variant type: single nucleotide variant.
Coding change: c.1405G>C on transcript NM_000782.5 (MANE Select); coding-DNA position 1405, G replaced by C.
Protein change: p.Glu469Gln; replaces glutamic acid 469 with glutamine.
Molecular consequence: missense variant. On other transcripts: intron variant (3).
Genome position (GRCh38, 1-based): chr20:54,157,417, C>G on the plus strand (G>C on the coding strand, the complement: CYP24A1 is on the minus strand). VCF-style: chr20-54157417-C-G. GRCh37 (hg19) VCF-style: chr20-52773956-C-G.
Other names: c.1405G>C, p.Glu469Gln (NM_001424340.1, NM_001424341.1); c.1237-128G>C (NM_001128915.2, NM_001424343.1, NM_001424342.1); short protein forms E469Q.
Identifiers: ClinVar variation 3499077 (VCV003499077.1).
Genomic context (GRCh38, chr20:54,157,417, plus strand): 5'-ACATAATTGCAGAAACCGGTAAAGGTTTTACCCAACAAAGAGCCAAATGCAGTTGAAGCT[C>G]TGCTAATCGGCGACCAATGCACATTCTTTTTCCAACGCCAAATGGAAGATGCGCAAAAGG-3'
Protein context (NP_000773.2, residues 459-479): KRMCIGRRLA[Glu469Gln]LQLHLALCWI